The following is an entry in ClinVar:

NM_007327.4(GRIN1):c.1924A>T (p.Ile642Phe)

Gene: GRIN1 (glutamate ionotropic receptor NMDA type subunit 1; plus strand). Cytogenetic location: 9q34.3.
Variant type: single nucleotide variant.
Coding change: c.1924A>T on transcript NM_007327.4 (MANE Select); coding-DNA position 1924, A replaced by T.
Protein change: p.Ile642Phe; replaces isoleucine 642 with phenylalanine.
Molecular consequence: missense variant.
Genome position (GRCh38, 1-based): chr9:137,162,650, A>T. VCF-style: chr9-137162650-A-T. GRCh37 (hg19) VCF-style: chr9-140057102-A-T.
Other names: c.1924A>T, p.Ile642Phe (NM_000832.7, NM_021569.4); c.1987A>T, p.Ile663Phe (NM_001185090.2, NM_001185091.2); short protein forms I642F, I663F.
Identifiers: ClinVar variation 3901883 (VCV003901883.1).

ClinVar aggregate classification (germline): Likely pathogenic (1 of 4 stars; one submission).

Conditions:
Neurodevelopmental disorder with or without hyperkinetic movements and seizures, autosomal dominant. Also called: Intellectual disability, autosomal dominant 8. Identifiers: MedGen C3280282, MONDO:0013655, OMIM 614254.

Submission:

Rare Disease Center, Seoul National University Hospital
Classification: Likely pathogenic for Neurodevelopmental disorder with or without hyperkinetic movements and seizures, autosomal dominant. Last evaluated: 2025-03-23. Review status: criteria provided, single submitter. Criteria: ACMG Guidelines, 2015. Collection method: provider interpretation. Allele origin: de novo. Affected: yes. Observed: 1 variant allele.
Comment: In addition, this variant is not present in population databases (gnomAD). Note: This variant was found in clinical genetic testing performed by one or more labs who may also submit to ClinVar. Therefore, any internal case data may overlap with the internal case data of other submitters. The classification and rationale are that of the Rare Disease Center, Seoul National University Hospital